The following is an entry in ClinVar:

NM_000540.3(RYR1):c.7215del (p.Phe2406fs)

Gene: RYR1 (ryanodine receptor 1; plus strand). Cytogenetic location: 19q13.2.
Variant type: Deletion.
Coding change: c.7215del on transcript NM_000540.3 (MANE Select); coding-DNA position 7215, one base deleted (C; older notation c.7215delC).
Protein change: p.Phe2406fs; shifts the reading frame from phenylalanine 2406.
Molecular consequence: frameshift variant.
Genome position (GRCh38, 1-based): chr19:38,499,908, C deleted. VCF-style (leftmost placement, unchanged base first): chr19-38499907-GC-G. GRCh37 (hg19) VCF-style: chr19-38990547-GC-G.
Other names: c.7215del, p.Phe2406fs (NM_001042723.2); c.7215delC (NM_000540.2); short protein forms F2406fs.
Identifiers: ClinVar variation 561102 (VCV000561102.2), dbSNP rs1568501473, ClinGen allele CA658824676.

ClinVar aggregate classification (germline): Pathogenic (1 of 4 stars; one submission).

Conditions:
Congenital multicore myopathy with external ophthalmoplegia (CMYO1B). Also called: Minicore myopathy with external ophthalmoplegia; MULTIMINICORE DISEASE WITH EXTERNAL OPHTHALMOPLEGIA; Congenital myopathy 1B, autosomal recessive; Minicore myopathy; MULTICORE MYOPATHY. Identifiers: Orphanet 598, Orphanet 98905, MedGen C1850674, MONDO:0009712, OMIM 255320, HP:0003789.

Submission:

Baylor Genetics
Classification: Pathogenic for Congenital multicore myopathy with external ophthalmoplegia. Last evaluated: 2017-09-01. Review status: criteria provided, single submitter. Criteria: ACMG Guidelines, 2015. Collection method: clinical testing. Allele origin: maternal. Inheritance: Autosomal unknown. Affected: yes.

Literature cited by the submitters: PubMed 25326635.